The following is an entry in ClinVar:

ClinVar aggregate classification (germline): Uncertain significance (1 of 4 stars; one submission).

Allele frequency attached by ClinVar (database versions not stated): gnomAD exomes below 0.00001 and 0.00001; ExAC 0.00001; gnomAD 0.00001.
gnomAD v4.1: 7 of 1,613,772 alleles (0.00043%); highest among the groups gnomAD compares: East Asian, 0.0022%; no homozygotes.

Submission:

GeneDx
Classification: Uncertain significance. Last evaluated: 2019-05-03. Review status: criteria provided, single submitter. Criteria: GeneDx Variant Classification Process June 2021. Collection method: clinical testing. Allele origin: germline. Affected: yes.
Comment: Not observed at a significant frequency in large population cohorts (Lek et al., 2016); In silico analysis, which includes protein predictors and evolutionary conservation, supports a deleterious effect; Has not been previously published as pathogenic or benign to our knowledge

NM_018297.4(NGLY1):c.1109G>A (p.Gly370Asp)

Gene: NGLY1 (N-glycanase 1; minus strand). Cytogenetic location: 3p24.2.
Variant type: single nucleotide variant.
Coding change: c.1109G>A on transcript NM_018297.4 (MANE Select); coding-DNA position 1109, G replaced by A.
Protein change: p.Gly370Asp; replaces glycine 370 with aspartic acid.
Molecular consequence: missense variant. On other transcripts: intron variant (1).
Genome position (GRCh38, 1-based): chr3:25,736,044, C>T on the plus strand (G>A on the coding strand, the complement: NGLY1 is on the minus strand). VCF-style: chr3-25736044-C-T. GRCh37 (hg19) VCF-style: chr3-25777535-C-T.
Other names: c.983G>A, p.Gly328Asp (NM_001145294.2); c.1109G>A, p.Gly370Asp (NM_001145295.2); c.1095+265G>A (NM_001145293.2); short protein forms G328D, G370D.
Identifiers: ClinVar variation 1302038 (VCV001302038.2), dbSNP rs757885829, ClinGen allele CA2289262.
Genomic context (GRCh38, chr3:25,736,044, plus strand): 5'-TTTTTTCTTTTATGCTCTACCTCATCTTTTGAAAATGCTATGACATAGGAAAGCTTCTTG[C>T]CCCATCCTATTTCATAAAGGAGTGGCTTGTCACAGACATCTTCACATGCATCACAGTGCA-3'
Protein context (NP_060767.2, residues 360-380): DKPLLYEIGW[Gly370Asp]KKLSYVIAFS